The following is an entry in ClinVar:

NM_001146079.2(CLDN14):c.626C>T (p.Pro209Leu)

Genes: CLDN14 (claudin 14; minus strand), CLDN14-AS1 (CLDN14 antisense RNA 1; plus strand). Cytogenetic location: 21q22.13.
Variant type: single nucleotide variant.
Coding change: c.626C>T on transcript NM_001146079.2 (MANE Select); coding-DNA position 626, C replaced by T.
Protein change: p.Pro209Leu; replaces proline 209 with leucine.
Molecular consequence: missense variant.
Genome position (GRCh38, 1-based): chr21:36,461,070, G>A on the plus strand (C>T on the coding strand, the complement: CLDN14 is on the minus strand). VCF-style: chr21-36461070-G-A. GRCh37 (hg19) VCF-style: chr21-37833368-G-A.
Other names: c.626C>T, p.Pro209Leu (NM_001146077.2, NM_001146078.3, NM_012130.4 and 1 more transcripts); short protein forms P209L.
Identifiers: ClinVar variation 1400729 (VCV001400729.8), dbSNP rs912711119, ClinGen allele CA320313675.

ClinVar aggregate classification (germline): Uncertain significance (1 of 4 stars; one submission).

Submission:

Labcorp Genetics (formerly Invitae), Labcorp
Classification: Uncertain significance. Last evaluated: 2022-07-05. Review status: criteria provided, single submitter. Criteria: Invitae Variant Classification Sherloc (09022015). Collection method: clinical testing. Allele origin: germline.
Comment: In summary, the available evidence is currently insufficient to determine the role of this variant in disease. Therefore, it has been classified as a Variant of Uncertain Significance. Algorithms developed to predict the effect of missense changes on protein structure and function (SIFT, PolyPhen-2, Align-GVGD) all suggest that this variant is likely to be disruptive. ClinVar contains an entry for this variant (Variation ID: 1400729). This variant has not been reported in the literature in individuals affected with CLDN14-related conditions. This variant is not present in population databases (gnomAD no frequency). This sequence change replaces proline, which is neutral and non-polar, with leucine, which is neutral and non-polar, at codon 209 of the CLDN14 protein (p.Pro209Leu).